The following is an entry in ClinVar:

ClinVar aggregate classification (germline): Uncertain significance (1 of 4 stars; one submission).

gnomAD v4.1: 12 of 1,614,074 alleles (0.00074%); highest among the groups gnomAD compares: Non-Finnish European, 0.00085%; no homozygotes.

Submission:

Labcorp Genetics (formerly Invitae), Labcorp
Classification: Uncertain significance. Last evaluated: 2025-08-16. Review status: criteria provided, single submitter. Criteria: Invitae Variant Classification Sherloc (09022015). Collection method: clinical testing. Allele origin: germline.
Comment: This sequence change replaces aspartic acid, which is acidic and polar, with alanine, which is neutral and non-polar, at codon 1045 of the RNF31 protein (p.Asp1045Ala). This variant is present in population databases (no rsID available, gnomAD 0.002%). This variant has not been reported in the literature in individuals affected with RNF31-related conditions. An algorithm developed to predict the effect of missense changes on protein structure and function (PolyPhen-2) suggests that this variant is likely to be tolerated. In summary, the available evidence is currently insufficient to determine the role of this variant in disease. Therefore, it has been classified as a Variant of Uncertain Significance.

NM_017999.5(RNF31):c.3134A>C (p.Asp1045Ala)

Gene: RNF31 (ring finger protein 31; plus strand). Cytogenetic location: 14q12.
Variant type: single nucleotide variant.
Coding change: c.3134A>C on transcript NM_017999.5 (MANE Select); coding-DNA position 3134, A replaced by C.
Protein change: p.Asp1045Ala; replaces aspartic acid 1045 with alanine.
Molecular consequence: missense variant.
Genome position (GRCh38, 1-based): chr14:24,160,376, A>C. VCF-style: chr14-24160376-A-C. GRCh37 (hg19) VCF-style: chr14-24629585-A-C.
Other names: c.2681A>C, p.Asp894Ala (NM_001310332.2); short protein forms D894A, D1045A.
Identifiers: ClinVar variation 4768920 (VCV004768920.1).